The following is an entry in ClinVar:

ClinVar aggregate classification (germline): Pathogenic (3 of 4 stars; one submission).

Conditions:
Phenylketonuria (PKU). Also called: Phenylketonuria (PKU); FOLLING DISEASE; OLIGOPHRENIA PHENYLPYRUVICA; Phenylketonurias. Identifiers: Orphanet 716, MedGen C0031485, MONDO:0009861, OMIM 261600. Disease mechanism: loss of function.

gnomAD v4.1: 1 of 1,613,690 alleles (0.000062%); highest among the groups gnomAD compares: East Asian, 0.0022%; no homozygotes.

Submission:

ClinGen PAH Variant Curation Expert Panel
Classification: Pathogenic for Phenylketonuria. Last evaluated: 2020-08-07. Review status: reviewed by expert panel. Criteria: ClinGen PAH ACMG Specifications v1. Collection method: curation. Allele origin: germline. Inheritance: Autosomal recessive inheritance.
Comment: The c.699C>G (p.Phe233Leu) variant in PAH has been reported in multiple individuals with moderate/mild PKU (BH4 deficiency excluded). (PMID: 25894915, 26322415). This variant is absent in population databases. This variant was detected with multiple pathogenic/likely pathogenic variants: p.R243Q (PMID: 25894915); p.G247V (PMID: 26322415); c.442-1G>A; p.A434D (PMID: 30050108). Another pathogenic variant at the same amino acid (p.Phe233Ile) is reported (by PAH VCEP). Computational evidence supports a deleterious effect. In summary, this variant meets criteria to be classified as pathogenic for PAH. PAH-specific ACMG/AMP criteria applied: PP4_Moderate, PM2, PM3_strong, PM5, PP3.

Literature cited by the submitters: PubMed 25894915.

NM_000277.3(PAH):c.699C>G (p.Phe233Leu)

Gene: PAH (phenylalanine hydroxylase; minus strand). Cytogenetic location: 12q23.2.
Variant type: single nucleotide variant.
Coding change: c.699C>G on transcript NM_000277.3 (MANE Select); coding-DNA position 699, C replaced by G.
Protein change: p.Phe233Leu; replaces phenylalanine 233 with leucine.
Molecular consequence: missense variant.
Genome position (GRCh38, 1-based): chr12:102,855,143, G>C on the plus strand (C>G on the coding strand, the complement: PAH is on the minus strand). VCF-style: chr12-102855143-G-C. GRCh37 (hg19) VCF-style: chr12-103248921-G-C.
Other names: NM_000277.3:c.699C>G; c.699C>G, p.Phe233Leu (NM_001354304.2); short protein forms F233L.
Identifiers: ClinVar variation 1327558 (VCV001327558.1), dbSNP rs62517208, ClinGen allele CA16020844.
Genomic context (GRCh38, chr12:102,855,143, plus strand): 5'-CCTCAATCCTCCCCCAACTTTCTGCAGGGCCATTGACCCTGATGTGGACTTACTCTGCAG[G>C]AACTGAGAAACGTCTTCCAGCTGGGGAATGTTATCTTCATGGAAGCCACAGTACTTTTCA-3'
Protein context (NP_000268.1, residues 223-243): NIPQLEDVSQ[Phe233Leu]LQTCTGFRLR